The following is an entry in ClinVar:

NM_003482.4(KMT2D):c.16499G>A (p.Arg5500Gln)

Gene: KMT2D (lysine methyltransferase 2D; minus strand). Cytogenetic location: 12q13.12.
Variant type: single nucleotide variant.
Coding change: c.16499G>A on transcript NM_003482.4 (MANE Select); coding-DNA position 16499, G replaced by A.
Protein change: p.Arg5500Gln; replaces arginine 5500 with glutamine.
Molecular consequence: missense variant.
Genome position (GRCh38, 1-based): chr12:49,022,065, C>T on the plus strand (G>A on the coding strand, the complement: KMT2D is on the minus strand). VCF-style: chr12-49022065-C-T. GRCh37 (hg19) VCF-style: chr12-49415848-C-T.
Other names: short protein forms R5500Q.
Identifiers: ClinVar variation 2776236 (VCV002776236.5), dbSNP rs758567660, ClinGen allele CA6545363.

ClinVar aggregate classification (germline): Conflicting classifications of pathogenicity. Review status: criteria provided, conflicting classifications (1 of 4 stars). 3 submissions from 3 submitters: Uncertain significance (2); Likely benign (1). Last evaluated 2026-07-01.

Conditions:
Kabuki syndrome 1 (KABUK1). Also called: KMT2D-Related Kabuki Syndrome. Identifiers: Orphanet 2322, MedGen CN030661, MONDO:0007843, OMIM 147920.
Choanal atresia-athelia-hypothyroidism-delayed puberty-short stature syndrome (BCAHH). Also called: BRANCHIAL ARCH ABNORMALITIES, CHOANAL ATRESIA, ATHELIA, HEARING LOSS, AND HYPOTHYROIDISM SYNDROME. Identifiers: Orphanet 589856, MedGen C5680310, MONDO:0035651, OMIM 620186.
Kabuki syndrome. Also called: Kabuki make-up syndrome; NIIKAWA-KUROKI SYNDROME. Identifiers: Orphanet 2322, MedGen C0796004, MONDO:0016512.

Allele frequency attached by ClinVar (database versions not stated): TOPMed below 0.00001; gnomAD 0.00001; gnomAD exomes 0.00001; ExAC 0.00002.

Submissions (3):

CeGaT Center for Human Genetics Tuebingen
Classification: Uncertain significance. Last evaluated: 2026-07-01. Review status: criteria provided, single submitter. Criteria: CeGaT Center For Human Genetics Tuebingen Variant Classification Criteria Version 2. Collection method: clinical testing. Allele origin: germline. Affected: yes. Observed: 1 variant allele.
Comment: KMT2D: PM5, PM1:Supporting, PP2, PP3

Labcorp Genetics (formerly Invitae), Labcorp
Classification: Likely benign for Kabuki syndrome. Last evaluated: 2025-03-10. Review status: criteria provided, single submitter. Criteria: Invitae Variant Classification Sherloc (09022015). Collection method: clinical testing. Allele origin: germline.

Fulgent Genetics
Classification: Uncertain significance for Kabuki syndrome 1; Choanal atresia-athelia-hypothyroidism-delayed puberty-short stature syndrome. Last evaluated: 2024-03-22. Review status: criteria provided, single submitter. Criteria: ACMG Guidelines, 2015. Collection method: clinical testing. Allele origin: germline.